The following is an entry in ClinVar:

NM_004336.5(BUB1):c.814G>A (p.Asp272Asn)

Gene: BUB1 (BUB1 mitotic checkpoint serine/threonine kinase; minus strand). Cytogenetic location: 2q13.
Variant type: single nucleotide variant.
Coding change: c.814G>A on transcript NM_004336.5 (MANE Select); coding-DNA position 814, G replaced by A.
Protein change: p.Asp272Asn; replaces aspartic acid 272 with asparagine.
Molecular consequence: missense variant.
Genome position (GRCh38, 1-based): chr2:110,666,406, C>T on the plus strand (G>A on the coding strand, the complement: BUB1 is on the minus strand). VCF-style: chr2-110666406-C-T. GRCh37 (hg19) VCF-style: chr2-111423983-C-T.
Other names: c.754G>A, p.Asp252Asn (NM_001278616.2); c.814G>A, p.Asp272Asn (NM_001278617.2); short protein forms D252N, D272N.
Identifiers: ClinVar variation 2446976 (VCV002446976.2), dbSNP rs2468026134, ClinGen allele CA348217033.

ClinVar aggregate classification (germline): Uncertain significance (1 of 4 stars; one submission).

Allele frequency attached by ClinVar (database versions not stated): gnomAD exomes below 0.00001.
gnomAD v4.1: 5 of 1,418,944 alleles (0.00035%); highest among the groups gnomAD compares: Non-Finnish European, 0.00037%; no homozygotes.

Submission:

Ambry Genetics
Classification: Uncertain significance. Last evaluated: 2022-11-18. Review status: criteria provided, single submitter. Criteria: Ambry Variant Classification Scheme 2023. Collection method: clinical testing. Allele origin: germline.
Comment: The p.D272N variant (also known as c.814G>A), located in coding exon 9 of the BUB1 gene, results from a G to A substitution at nucleotide position 814. The aspartic acid at codon 272 is replaced by asparagine, an amino acid with highly similar properties. This amino acid position is conserved. In addition, this alteration is predicted to be tolerated by in silico analysis. Since supporting evidence is limited at this time, the clinical significance of this alteration remains unclear.